The following is an entry in ClinVar:

NM_001267550.2(TTN):c.48395G>A (p.Arg16132His)

Genes: TTN (titin; minus strand), TTN-AS1 (TTN antisense RNA 1; plus strand). Cytogenetic location: 2q31.2.
Variant type: single nucleotide variant.
Coding change: c.48395G>A on transcript NM_001267550.2 (MANE Select); coding-DNA position 48395, G replaced by A.
Protein change: p.Arg16132His; replaces arginine 16132 with histidine.
Molecular consequence: missense variant.
Genome position (GRCh38, 1-based): chr2:178,615,706, C>T on the plus strand (G>A on the coding strand, the complement: TTN is on the minus strand). VCF-style: chr2-178615706-C-T. GRCh37 (hg19) VCF-style: chr2-179480433-C-T.
Other names: c.40691G>A, p.Arg13564His (NM_133378.4); c.43472G>A, p.Arg14491His (NM_001256850.1); c.21200G>A, p.Arg7067His (NM_003319.4); c.21575G>A, p.Arg7192His (NM_133432.3); c.21776G>A, p.Arg7259His (NM_133437.4); short protein forms R16132H, R13564H, R7067H, R7259H, R7192H, R14491H.
Identifiers: ClinVar variation 47021 (VCV000047021.38), dbSNP rs397517593, ClinGen allele CA139787.

ClinVar aggregate classification (germline): Conflicting classifications of pathogenicity. Review status: criteria provided, conflicting classifications (1 of 4 stars). 8 submissions from 8 submitters: Uncertain significance (6); Likely benign (2). Last evaluated 2025-10-01.

Conditions:
TTN-related disorder. Also called: TTN-related condition; TTN-related disease; TTN-related disorders.
Cardiovascular phenotype. Identifiers: MedGen CN230736.
Cardiomyopathy (CMYO). Also called: Cardiomyopathies. Identifiers: Orphanet 167848, MedGen C0878544, MONDO:0004994, HP:0001638. Inheritance: Various modes of inheritance.

Allele frequency attached by ClinVar (database versions not stated): gnomAD 0.00002 and 0.00004; TOPMed 0.00004; gnomAD exomes 0.00005 and 0.00006; ExAC 0.00007.
gnomAD v4.1: 84 of 1,612,278 alleles (0.0052%); highest among the groups gnomAD compares: Middle Eastern, 0.082%; no homozygotes.

Submissions (8):

CeGaT Center for Human Genetics Tuebingen
Classification: Likely benign. Last evaluated: 2025-10-01. Review status: criteria provided, single submitter. Criteria: CeGaT Center For Human Genetics Tuebingen Variant Classification Criteria Version 2. Collection method: clinical testing. Allele origin: germline. Affected: yes. Observed: 1 variant allele.
Comment: TTN: BP4, BS2

PreventionGenetics, part of Exact Sciences
Classification: Uncertain significance for TTN-related condition. Last evaluated: 2025-08-29. Review status: criteria provided, single submitter. Criteria: ACMG Guidelines, 2015. Collection method: clinical testing. Allele origin: germline.
Comment: The TTN c.48395G>A variant is predicted to result in the amino acid substitution p.Arg16132His. To our knowledge, this variant has not been reported in the literature. This variant is reported in 0.014% of alleles in individuals of Latino descent in gnomAD. At this time, the clinical significance of this variant is uncertain due to the absence of conclusive functional and genetic evidence.

Revvity Omics, Revvity
Classification: Uncertain significance. Last evaluated: 2023-09-27. Review status: criteria provided, single submitter. Criteria: ACMG Guidelines, 2015. Collection method: clinical testing. Allele origin: germline.

CHEO Genetics Diagnostic Laboratory, Children's Hospital of Eastern Ontario
Classification: Uncertain significance for Cardiomyopathy. Last evaluated: 2020-12-15. Review status: criteria provided, single submitter. Criteria: ACMG Guidelines, 2015. Collection method: clinical testing. Allele origin: germline.

Ambry Genetics
Classification: Uncertain significance for Cardiovascular phenotype. Last evaluated: 2020-03-27. Review status: criteria provided, single submitter. Criteria: Ambry Variant Classification Scheme 2023. Collection method: clinical testing. Allele origin: germline.
Comment: The p.R7067H variant (also known as c.21200G>A), located in coding exon 85 of the TTN gene, results from a G to A substitution at nucleotide position 21200. The arginine at codon 7067 is replaced by histidine, an amino acid with highly similar properties. This amino acid position is poorly conserved in available vertebrate species. In addition, this alteration is predicted to be tolerated by in silico analysis. Since supporting evidence is limited at this time, the clinical significance of this alteration remains unclear.

GeneDx
Classification: Likely benign. Last evaluated: 2019-04-05. Review status: criteria provided, single submitter. Criteria: GeneDx Variant Classification Process June 2021. Collection method: clinical testing. Allele origin: germline. Affected: yes.
Comment: This variant is associated with the following publications: (PMID: 24503780)

Eurofins Ntd Llc (ga)
Classification: Uncertain significance. Last evaluated: 2016-12-30. Review status: criteria provided, single submitter. Criteria: EGL Classification Definitions 2015. Collection method: clinical testing. Allele origin: germline. Observed: 1 variant allele, 1 heterozygote.

Laboratory for Molecular Medicine, Mass General Brigham Personalized Medicine
Classification: Uncertain significance. Last evaluated: 2011-12-13. Review status: criteria provided, single submitter. Criteria: LMM Criteria. Collection method: clinical testing. Allele origin: germline. Observed: 1 variant allele.
Comment: Variant classified as Uncertain Significance - Favor Benign. The Arg13564His var iant (TTN) has not been previously reported nor previously identified by our lab oratory. Arginine (Arg) at position 13564 is not conserved in mammals and lower species, increasing the likelihood that a change may be tolerated. Computational tools are mixed on the predicted impact to the protein (AlignGVGD = benign, SIF T = pathogenic), though the accuracy of these tools is unknown. Additional infor mation is needed to fully assess the clinical significance of the Arg13564His va riant.